The following is an entry in ClinVar:

ClinVar aggregate classification (germline): Uncertain significance (1 of 4 stars; one submission).

Conditions:
Neurodevelopmental disorder with coarse facies and mild distal skeletal abnormalities. Also called: STOLERMAN NEURODEVELOPMENTAL SYNDROME. Identifiers: MedGen C5193134, MONDO:0032790, OMIM 618505.

Allele frequency attached by ClinVar (database versions not stated): gnomAD 0.00003; gnomAD exomes 0.00004; TOPMed 0.00004.

Submission:

Laboratorio de Genetica e Diagnostico Molecular, Hospital Israelita Albert Einstein
Classification: Uncertain significance for Neurodevelopmental disorder with coarse facies and mild distal skeletal abnormalities. Last evaluated: 2021-06-28. Review status: criteria provided, single submitter. Criteria: ACMG Guidelines, 2015. Collection method: clinical testing. Allele origin: germline. Affected: yes.
Comment: ACMG classification criteria: BP4 supporting

NM_001348716.2(KDM6B):c.3431G>A (p.Arg1144His)

Gene: KDM6B (lysine demethylase 6B; plus strand). Cytogenetic location: 17p13.1.
Variant type: single nucleotide variant.
Coding change: c.3431G>A on transcript NM_001348716.2 (MANE Select); coding-DNA position 3431, G replaced by A.
Protein change: p.Arg1144His; replaces arginine 1144 with histidine.
Molecular consequence: missense variant.
Genome position (GRCh38, 1-based): chr17:7,849,719, G>A. VCF-style: chr17-7849719-G-A. GRCh37 (hg19) VCF-style: chr17-7753037-G-A.
Other names: c.3431G>A, p.Arg1144His (NM_001080424.2); short protein forms R1144H.
Identifiers: ClinVar variation 1683527 (VCV001683527.2), dbSNP rs576645238, ClinGen allele CA8361146.
Genomic context (GRCh38, chr17:7,849,719, plus strand): 5'-AAGAGCGGCGGCTGCGCATGGCAGACCTCACCATCAGCCACTGTGCTGCTGACGTCGTGC[G>A]CGCCAGCAGGTGAGTCGGCTGCCTGCTTGCTTGTCCCGGAGACAGGCTCCCTTCCCCCAT-3'
Protein context (NP_001335645.1, residues 1134-1154): TISHCAADVV[Arg1144His]ASRNAKVKGK